The following is an entry in ClinVar:

ClinVar aggregate classification (germline): Uncertain significance (1 of 4 stars; one submission).

Submission:

Labcorp Genetics (formerly Invitae), Labcorp
Classification: Uncertain significance. Last evaluated: 2024-03-07. Review status: criteria provided, single submitter. Criteria: Invitae Variant Classification Sherloc (09022015). Collection method: clinical testing. Allele origin: germline.
Comment: This sequence change replaces glutamic acid, which is acidic and polar, with lysine, which is basic and polar, at codon 446 of the SLC7A14 protein (p.Glu446Lys). This variant is not present in population databases (gnomAD no frequency). This variant has not been reported in the literature in individuals affected with SLC7A14-related conditions. An algorithm developed to predict the effect of missense changes on protein structure and function (PolyPhen-2) suggests that this variant is likely to be tolerated. In summary, the available evidence is currently insufficient to determine the role of this variant in disease. Therefore, it has been classified as a Variant of Uncertain Significance.

NM_020949.3(SLC7A14):c.1336G>A (p.Glu446Lys)

Genes: SLC7A14 (solute carrier family 7 member 14; minus strand), SLC7A14-AS1 (SLC7A14 antisense RNA 1; plus strand). Cytogenetic location: 3q26.2.
Variant type: single nucleotide variant.
Coding change: c.1336G>A on transcript NM_020949.3 (MANE Select); coding-DNA position 1336, G replaced by A.
Protein change: p.Glu446Lys; replaces glutamic acid 446 with lysine.
Molecular consequence: missense variant.
Genome position (GRCh38, 1-based): chr3:170,480,946, C>T on the plus strand (G>A on the coding strand, the complement: SLC7A14 is on the minus strand). VCF-style: chr3-170480946-C-T. GRCh37 (hg19) VCF-style: chr3-170198735-C-T.
Other names: short protein forms E446K.
Identifiers: ClinVar variation 3644902 (VCV003644902.2).